The following is an entry in ClinVar:

ClinVar aggregate classification (germline): Conflicting classifications of pathogenicity. Review status: criteria provided, conflicting classifications (1 of 4 stars). 14 submissions from 13 submitters: Uncertain significance (1); Benign (4); Likely benign (6). 3 of the submissions do not count toward it. Last evaluated 2026-04-01.

Conditions:
WFS1-Related Spectrum Disorders.
Wolfram syndrome 1 (WFS1). Identifiers: Orphanet 3463, MedGen C4551693, MONDO:0009101, OMIM 222300.
Autosomal dominant nonsyndromic hearing loss 6 (LFSNHL). Also called: Autosomal dominant nonsyndromic deafness 6; DEAFNESS, AUTOSOMAL DOMINANT 6; DEAFNESS, AUTOSOMAL DOMINANT 14; DEAFNESS, AUTOSOMAL DOMINANT 38. Identifiers: Orphanet 90635, MedGen C1833021, MONDO:0010963, OMIM 600965.

Allele frequency attached by ClinVar (database versions not stated): gnomAD 0.00119 and 0.00123; TOPMed 0.00131; gnomAD exomes 0.00133; ExAC 0.00146; ESP Exome Variant Server 0.00169; 1000 Genomes Project 0.00180; 1000 Genomes Project 30x 0.00187.
gnomAD v4.1: 2,381 of 1,612,972 alleles (0.15%); highest among the groups gnomAD compares: Admixed American, 0.25%; 4 homozygotes.

Submissions (14):

CeGaT Center for Human Genetics Tuebingen
Classification: Likely benign. Last evaluated: 2026-04-01. Review status: criteria provided, single submitter. Criteria: CeGaT Center For Human Genetics Tuebingen Variant Classification Criteria Version 2. Collection method: clinical testing. Allele origin: germline. Affected: yes. Observed: 10 variant alleles.
Comment: WFS1: BP4, BP7

Labcorp Genetics (formerly Invitae), Labcorp
Classification: Benign. Last evaluated: 2026-01-31. Review status: criteria provided, single submitter. Criteria: Invitae Variant Classification Sherloc (09022015). Collection method: clinical testing. Allele origin: germline.

Blueprint Genetics
Classification: Likely benign. Last evaluated: 2024-11-21. Review status: criteria provided, single submitter. Criteria: ACMG Guidelines, 2015. Collection method: clinical testing. Allele origin: germline.

Mayo Clinic Laboratories, Mayo Clinic
Classification: Benign. Last evaluated: 2024-05-30. Review status: criteria provided, single submitter. Criteria: ACMG Guidelines, 2015. Collection method: clinical testing. Allele origin: germline. Observed: 4 variant alleles.
Comment: BS1, BS2, BP4, BP7

ARUP Laboratories, Molecular Genetics and Genomics, ARUP Laboratories
Classification: Likely benign. Last evaluated: 2020-05-05. Review status: criteria provided, single submitter. Criteria: ARUP Molecular Germline Variant Investigation Process. Collection method: clinical testing. Allele origin: germline.

Illumina Laboratory Services, Illumina
Classification: Likely benign for Autosomal dominant nonsyndromic hearing loss 6. Last evaluated: 2018-01-12. Review status: criteria provided, single submitter. Criteria: ICSL Variant Classification Criteria 13 December 2019. Collection method: clinical testing. Allele origin: germline.
Comment: This variant was observed in the ICSL laboratory as part of a predisposition screen in an ostensibly healthy population. It had not been previously curated by ICSL or reported in the Human Gene Mutation Database (HGMD: prior to June 1st, 2018), and was therefore a candidate for classification through an automated scoring system. Utilizing variant allele frequency, disease prevalence and penetrance estimates, and inheritance mode, an automated score was calculated to assess if this variant is too frequent to cause the disease. Based on the score and internal cut-off values, a variant classified as likely benign is not then subjected to further curation. The score for this variant resulted in a classification of likely benign for this disease.

Illumina Laboratory Services, Illumina
Classification: Uncertain significance for WFS1-Related Spectrum Disorders. Last evaluated: 2018-01-12. Review status: criteria provided, single submitter. Criteria: ICSL Variant Classification Criteria 13 December 2019. Collection method: clinical testing. Allele origin: germline.

Eurofins Ntd Llc (ga)
Classification: Likely benign. Last evaluated: 2017-07-12. Review status: criteria provided, single submitter. Criteria: EGL Classification Definitions 2015. Collection method: clinical testing. Allele origin: germline. Observed: 2 variant alleles, 2 heterozygotes.

Laboratory for Molecular Medicine, Mass General Brigham Personalized Medicine
Classification: Likely benign. Last evaluated: 2016-11-13. Review status: criteria provided, single submitter. Criteria: LMM Criteria. Collection method: clinical testing. Allele origin: germline. Observed: 3 variant alleles.
Comment: p.Ala684Ala in exon 8 of WFS1: This variant is not expected to have clinical sig nificance because it does not alter an amino acid residue, is not located within the splice consensus sequence, and has been identified in 0.3% (36/11552) of La tino chromosomes and 0.2% (118/66184) of European chromosomes by the Exome Aggre gation Consortium (ExAC; dbSNP rs71539668}).

GeneDx
Classification: Benign. Last evaluated: 2013-04-12. Review status: criteria provided, single submitter. Criteria: GeneDx Variant Classification (06012015). Collection method: clinical testing. Allele origin: germline. Affected: yes.
Comment: This variant is considered likely benign or benign based on one or more of the following criteria: it is a conservative change, it occurs at a poorly conserved position in the protein, it is predicted to be benign by multiple in silico algorithms, and/or has population frequency not consistent with disease.

Clinical Genomics, Uppaluri K&H Personalized Medicine Clinic
Classification: Benign for Wolfram syndrome 1. Review status: criteria provided, single submitter. Criteria: K & H Uppaluri Personalized Medicine Clinic Variant Classification & Assertion Criteria_Updated V.1. Collection method: research. Allele origin: unknown. Inheritance: Autosomal recessive inheritance.
Comment: Potent mutations in WFS1 gene are associated with Wolfram's syndrome, an autosomal recessive condition, which cause diabetes mellitus, diabetes insipidus, deafness and optic atrophy.However no sufficient evidence is found to ascertain the role of this particular variant rs71539668 in Wolfram's syndrome yet.

Clinical Genetics DNA and cytogenetics Diagnostics Lab, Erasmus MC, Erasmus Medical Center
Classification: Likely benign. Review status: no assertion criteria provided. Collection method: clinical testing. Allele origin: germline. Affected: yes. Study: VKGL Data-share Consensus. Not counted in ClinVar's aggregate classification.

Clinical Genetics, Academic Medical Center
Classification: Benign. Review status: no assertion criteria provided. Collection method: clinical testing. Allele origin: germline. Affected: yes. Study: VKGL Data-share Consensus. Not counted in ClinVar's aggregate classification.

Laboratory of Diagnostic Genome Analysis, Leiden University Medical Center (LUMC)
Classification: Likely benign. Review status: no assertion criteria provided. Collection method: clinical testing. Allele origin: germline. Affected: yes. Study: VKGL Data-share Consensus. Not counted in ClinVar's aggregate classification.

Literature cited by the submitters: PubMed 20738327 (cited by Clinical Genomics, Uppaluri K&H Personalized Medicine Clinic); PubMed 33879153 (cited by Clinical Genomics, Uppaluri K&H Personalized Medicine Clinic); PubMed 12955714 (cited by Clinical Genomics, Uppaluri K&H Personalized Medicine Clinic); PubMed 18060660 (cited by Clinical Genomics, Uppaluri K&H Personalized Medicine Clinic); PubMed 20301750 (cited by Clinical Genomics, Uppaluri K&H Personalized Medicine Clinic); PubMed 17603484 (cited by Clinical Genomics, Uppaluri K&H Personalized Medicine Clinic).

NM_006005.3(WFS1):c.2052G>A (p.Ala684=)

Gene: WFS1 (wolframin ER transmembrane glycoprotein; plus strand). Cytogenetic location: 4p16.1.
Variant type: single nucleotide variant.
Coding change: c.2052G>A on transcript NM_006005.3 (MANE Select); coding-DNA position 2052, G replaced by A.
Protein change: p.Ala684=; no amino-acid change (alanine 684 retained).
Molecular consequence: synonymous variant.
Genome position (GRCh38, 1-based): chr4:6,301,847, G>A. VCF-style: chr4-6301847-G-A. GRCh37 (hg19) VCF-style: chr4-6303574-G-A.
Other names: p.A684A:GCG>GCA; p.Ala684=; c.2052G>A, p.Ala684= (NM_001145853.1).
Identifiers: ClinVar variation 137917 (VCV000137917.73), dbSNP rs71539668, ClinGen allele CA295578.